The following is an entry in ClinVar:

ClinVar aggregate classification (germline): Uncertain significance (1 of 4 stars; one submission).

Conditions:
Primary ciliary dyskinesia 23 (CILD23). Also called: CILIARY DYSKINESIA, PRIMARY, 23, WITH OR WITHOUT SITUS INVERSUS. Identifiers: Orphanet 244, MedGen C3809548, MONDO:0014193, OMIM 615451.

Allele frequency attached by ClinVar (database versions not stated): gnomAD exomes below 0.00001.
gnomAD v4.1: 5 of 1,614,120 alleles (0.00031%); highest among the groups gnomAD compares: East Asian, 0.0022%; no homozygotes.

Submission:

Labcorp Genetics (formerly Invitae), Labcorp
Classification: Uncertain significance for Primary ciliary dyskinesia 23. Last evaluated: 2024-01-15. Review status: criteria provided, single submitter. Criteria: Invitae Variant Classification Sherloc (09022015). Collection method: clinical testing. Allele origin: germline.
Comment: This sequence change replaces asparagine, which is neutral and polar, with aspartic acid, which is acidic and polar, at codon 996 of the ARMC4 protein (p.Asn996Asp). This variant is not present in population databases (gnomAD no frequency). This variant has not been reported in the literature in individuals affected with ARMC4-related conditions. ClinVar contains an entry for this variant (Variation ID: 2043063). An algorithm developed to predict the effect of missense changes on protein structure and function (PolyPhen-2) suggests that this variant is likely to be disruptive. In summary, the available evidence is currently insufficient to determine the role of this variant in disease. Therefore, it has been classified as a Variant of Uncertain Significance.

NM_018076.5(ODAD2):c.2986A>G (p.Asn996Asp)

Gene: ODAD2 (outer dynein arm docking complex subunit 2; minus strand). Cytogenetic location: 10p12.1.
Variant type: single nucleotide variant.
Coding change: c.2986A>G on transcript NM_018076.5 (MANE Select); coding-DNA position 2986, A replaced by G.
Protein change: p.Asn996Asp; replaces asparagine 996 with aspartic acid.
Molecular consequence: missense variant.
Genome position (GRCh38, 1-based): chr10:27,860,660, T>C on the plus strand (A>G on the coding strand, the complement: ODAD2 is on the minus strand). VCF-style: chr10-27860660-T-C. GRCh37 (hg19) VCF-style: chr10-28149589-T-C.
Other names: c.2986A>G, p.Asn996Asp (NM_001290020.2); c.1561A>G, p.Asn521Asp (NM_001290021.2); c.2062A>G, p.Asn688Asp (NM_001312689.2); short protein forms N521D, N996D, N688D.
Identifiers: ClinVar variation 2043063 (VCV002043063.4), dbSNP rs2491937648, ClinGen allele CA376491989.